The following is an entry in ClinVar:

ClinVar aggregate classification (germline): Uncertain significance (1 of 4 stars; one submission).

Submission:

GeneDx
Classification: Uncertain significance. Last evaluated: 2024-11-04. Review status: criteria provided, single submitter. Criteria: GeneDx Variant Classification Process June 2021. Collection method: clinical testing. Allele origin: germline.
Comment: Not observed at significant frequency in large population cohorts (gnomAD); In silico analysis supports that this missense variant has a deleterious effect on protein structure/function; Has not been previously published as pathogenic or benign to our knowledge

NM_005445.4(SMC3):c.2848C>T (p.Pro950Ser)

Gene: SMC3 (structural maintenance of chromosomes 3; plus strand). Cytogenetic location: 10q25.2.
Variant type: single nucleotide variant.
Coding change: c.2848C>T on transcript NM_005445.4 (MANE Select); coding-DNA position 2848, C replaced by T.
Protein change: p.Pro950Ser; replaces proline 950 with serine.
Molecular consequence: missense variant.
Genome position (GRCh38, 1-based): chr10:110,601,840, C>T. VCF-style: chr10-110601840-C-T. GRCh37 (hg19) VCF-style: chr10-112361598-C-T.
Other names: short protein forms P950S.
Identifiers: ClinVar variation 3252989 (VCV003252989.2), dbSNP rs2493148025.